The following is an entry in ClinVar:

NM_022124.6(CDH23):c.5960C>A (p.Ala1987Asp)

Gene: CDH23 (cadherin related 23; plus strand). Cytogenetic location: 10q22.1.
Variant type: single nucleotide variant.
Coding change: c.5960C>A on transcript NM_022124.6 (MANE Select); coding-DNA position 5960, C replaced by A.
Protein change: p.Ala1987Asp; replaces alanine 1987 with aspartic acid.
Molecular consequence: missense variant.
Genome position (GRCh38, 1-based): chr10:71,790,324, C>A. VCF-style: chr10-71790324-C-A. GRCh37 (hg19) VCF-style: chr10-73550081-C-A.
Other names: short protein forms A1987D.
Identifiers: ClinVar variation 4807969 (VCV004807969.1).

ClinVar aggregate classification (germline): Uncertain significance (1 of 4 stars; one submission).

Submission:

Labcorp Genetics (formerly Invitae), Labcorp
Classification: Uncertain significance. Last evaluated: 2025-12-06. Review status: criteria provided, single submitter. Criteria: Invitae Variant Classification Sherloc (09022015). Collection method: clinical testing. Allele origin: germline.
Comment: This sequence change replaces alanine, which is neutral and non-polar, with aspartic acid, which is acidic and polar, at codon 1987 of the CDH23 protein (p.Ala1987Asp). This variant is not present in population databases (gnomAD no frequency). This variant has not been reported in the literature in individuals affected with CDH23-related conditions. Invitae Evidence Modeling of protein sequence and biophysical properties (such as structural, functional, and spatial information, amino acid conservation, physicochemical variation, residue mobility, and thermodynamic stability) has been performed for this missense variant. However, the output from this modeling did not meet the statistical confidence thresholds required to predict the impact of this variant on CDH23 protein function. In summary, the available evidence is currently insufficient to determine the role of this variant in disease. Therefore, it has been classified as a Variant of Uncertain Significance.